The following is an entry in ClinVar:

ClinVar aggregate classification (germline): Uncertain significance (1 of 4 stars; one submission).

Submission:

GeneDx
Classification: Uncertain significance. Last evaluated: 2023-11-14. Review status: criteria provided, single submitter. Criteria: GeneDx Variant Classification Process June 2021. Collection method: clinical testing. Allele origin: germline. Affected: yes.
Comment: Not observed at significant frequency in large population cohorts (gnomAD); In silico analysis supports that this missense variant does not alter protein structure/function; Has not been previously published as pathogenic or benign to our knowledge

NM_001330078.2(NRXN1):c.3205G>T (p.Ala1069Ser)

Gene: NRXN1 (neurexin 1; minus strand). Cytogenetic location: 2p16.3.
Variant type: single nucleotide variant.
Coding change: c.3205G>T on transcript NM_001330078.2 (MANE Select); coding-DNA position 3205, G replaced by T.
Protein change: p.Ala1069Ser; replaces alanine 1069 with serine.
Molecular consequence: missense variant.
Genome position (GRCh38, 1-based): chr2:50,472,337, C>A on the plus strand (G>T on the coding strand, the complement: NRXN1 is on the minus strand). VCF-style: chr2-50472337-C-A. GRCh37 (hg19) VCF-style: chr2-50699475-C-A.
Other names: c.3325G>T, p.Ala1109Ser (NM_001135659.3); c.3181G>T, p.Ala1061Ser (NM_001330077.2, NM_001330082.2); c.3139G>T, p.Ala1047Ser (NM_001330083.2, NM_001330084.2); c.3178G>T, p.Ala1060Ser (NM_001330085.2); c.3205G>T, p.Ala1069Ser (NM_001330086.2, NM_004801.6); c.3094G>T, p.Ala1032Ser (NM_001330087.2, NM_001330096.2); c.3124G>T, p.Ala1042Ser (NM_001330088.2); c.3202G>T, p.Ala1068Ser (NM_001330093.2); and 2 more; short protein forms A1032S, A1042S, A1047S, A1052S, A1060S, A1061S, A1065S, A1068S.
Identifiers: ClinVar variation 3364139 (VCV003364139.1).